The following is an entry in ClinVar:

ClinVar aggregate classification (germline): Uncertain significance. Review status: criteria provided, multiple submitters, no conflicts (2 of 4 stars). 2 submissions from 2 submitters: Uncertain significance (2). Last evaluated 2025-05-19.

Conditions:
Hypertrophic cardiomyopathy 11. Also called: ACTC1-Related Familial Hypertrophic Cardiomyopathy. Identifiers: MedGen C2677506, MONDO:0012799, OMIM 612098.
Dilated cardiomyopathy 1R (CMD1R). Identifiers: Orphanet 154, Orphanet 54260, MedGen C3150681, MONDO:0013261, OMIM 613424.
Atrial septal defect 5 (ASD5). Identifiers: Orphanet 1478, MedGen C2748552, MONDO:0013011, OMIM 612794.

Submissions (2):

Labcorp Genetics (formerly Invitae), Labcorp
Classification: Uncertain significance for Dilated cardiomyopathy 1R; Hypertrophic cardiomyopathy 11; Atrial septal defect 5. Last evaluated: 2025-05-19. Review status: criteria provided, single submitter. Criteria: Invitae Variant Classification Sherloc (09022015). Collection method: clinical testing. Allele origin: germline.
Comment: This sequence change replaces isoleucine, which is neutral and non-polar, with threonine, which is neutral and polar, at codon 332 of the ACTC1 protein (p.Ile332Thr). This variant is not present in population databases (gnomAD no frequency). This variant has not been reported in the literature in individuals affected with ACTC1-related conditions. ClinVar contains an entry for this variant (Variation ID: 3776135). Invitae Evidence Modeling of protein sequence and biophysical properties (such as structural, functional, and spatial information, amino acid conservation, physicochemical variation, residue mobility, and thermodynamic stability) indicates that this missense variant is not expected to disrupt ACTC1 protein function with a negative predictive value of 80%. In summary, the available evidence is currently insufficient to determine the role of this variant in disease. Therefore, it has been classified as a Variant of Uncertain Significance.

3billion
Classification: Uncertain significance for Hypertrophic cardiomyopathy 11. Last evaluated: 2024-03-08. Review status: criteria provided, single submitter. Criteria: ACMG Guidelines, 2015. Collection method: clinical testing. Allele origin: germline. Affected: yes.
Comment: The variant is not observed in the gnomAD v2.1.1 dataset. Predicted Consequence/Location: Missense variant In silico tool predictions suggest damaging effect of the variant on gene or gene product [REVEL: 0.89 (>=0.6, sensitivity 0.68 and specificity 0.92); 3Cnet: 0.99 (>=0.6, sensitivity 0.72 and precision 0.9)]. Therefore, this variant is classified as VUS according to the recommendation of ACMG/AMP guideline.

NM_005159.5(ACTC1):c.995T>C (p.Ile332Thr)

Genes: ACTC1 (actin alpha cardiac muscle 1; minus strand), GJD2-DT (GJD2 divergent transcript; plus strand). Cytogenetic location: 15q14.
Variant type: single nucleotide variant.
Coding change: c.995T>C on transcript NM_005159.5 (MANE Select); coding-DNA position 995, T replaced by C.
Protein change: p.Ile332Thr; replaces isoleucine 332 with threonine.
Molecular consequence: missense variant.
Genome position (GRCh38, 1-based): chr15:34,790,551, A>G on the plus strand (T>C on the coding strand, the complement: ACTC1 is on the minus strand). VCF-style: chr15-34790551-A-G. GRCh37 (hg19) VCF-style: chr15-35082752-A-G.
Other names: c.995T>C, p.Ile332Thr (NM_001406482.1, NM_001406483.1); c.860T>C, p.Ile287Thr (NM_001406484.1); c.554T>C, p.Ile185Thr (NM_001406485.1); short protein forms I185T, I287T, I332T.
Identifiers: ClinVar variation 3776135 (VCV003776135.2).